The following is an entry in ClinVar:

NM_001349253.2(SCN11A):c.3295C>A (p.His1099Asn)

Gene: SCN11A (sodium voltage-gated channel alpha subunit 11; minus strand). Cytogenetic location: 3p22.2.
Variant type: single nucleotide variant.
Coding change: c.3295C>A on transcript NM_001349253.2 (MANE Select); coding-DNA position 3295, C replaced by A.
Protein change: p.His1099Asn; replaces histidine 1099 with asparagine.
Molecular consequence: missense variant.
Genome position (GRCh38, 1-based): chr3:38,880,048, G>T on the plus strand (C>A on the coding strand, the complement: SCN11A is on the minus strand). VCF-style: chr3-38880048-G-T. GRCh37 (hg19) VCF-style: chr3-38921539-G-T.
Other names: p.His1099Asn; c.3295C>A, p.His1099Asn (NM_014139.3); c.3295C>A (NM_014139.2); short protein forms H1099N.
Identifiers: ClinVar variation 1924071 (VCV001924071.6), dbSNP rs760223977, ClinGen allele CA2321827.
Genomic context (GRCh38, chr3:38,880,048, plus strand): 5'-TGAAATACTTTCCAAATCCGAAGGCTACCCATTTTAGTACCATCTCCAGGATAAAAATAT[G>T]TGTAAAAATAATGTCAGTACAATTTAGTAATTCTTGGATTTTGGGTTGGTTCTCAAGGTG-3'
Protein context (NP_001336182.1, residues 1089-1109): LLNCTDIIFT[His1099Asn]IFILEMVLKW

ClinVar aggregate classification (germline): Uncertain significance. Review status: criteria provided, multiple submitters, no conflicts (2 of 4 stars). 2 submissions from 2 submitters: Uncertain significance (2). Last evaluated 2025-10-24.

Conditions:
Hereditary sensory and autonomic neuropathy type 7. Also called: Neuropathy, hereditary sensory and autonomic, type VII; HSAN VII. Identifiers: Orphanet 391397, MedGen C3809882, MONDO:0014244, OMIM 615548.
Familial episodic pain syndrome with predominantly lower limb involvement. Also called: Episodic pain syndrome, familial, 3. Identifiers: Orphanet 391384, Orphanet 391392, MedGen C3809899, MONDO:0014247, OMIM 615552.

Allele frequency attached by ClinVar (database versions not stated): ExAC 0.00001; gnomAD 0.00001; gnomAD exomes 0.00004; TOPMed below 0.00001.
gnomAD v4.1: 61 of 1,610,188 alleles (0.0038%); highest among the groups gnomAD compares: Non-Finnish European, 0.005%; no homozygotes.

Submissions (2):

Mayo Clinic Laboratories, Mayo Clinic
Classification: Uncertain significance. Last evaluated: 2025-10-24. Review status: criteria provided, single submitter. Criteria: ACMG Guidelines, 2015. Collection method: clinical testing. Allele origin: germline. Observed: 1 variant allele.
Comment: BS2

Labcorp Genetics (formerly Invitae), Labcorp
Classification: Uncertain significance for Familial episodic pain syndrome with predominantly lower limb involvement; Hereditary sensory and autonomic neuropathy type 7. Last evaluated: 2022-03-05. Review status: criteria provided, single submitter. Criteria: Invitae Variant Classification Sherloc (09022015). Collection method: clinical testing. Allele origin: germline.
Comment: This sequence change replaces histidine, which is basic and polar, with asparagine, which is neutral and polar, at codon 1099 of the SCN11A protein (p.His1099Asn). This variant is present in population databases (rs760223977, gnomAD 0.0009%). This variant has not been reported in the literature in individuals affected with SCN11A-related conditions. Algorithms developed to predict the effect of missense changes on protein structure and function output the following: SIFT: "Tolerated"; PolyPhen-2: "Benign"; Align-GVGD: "Class C0". The asparagine amino acid residue is found in multiple mammalian species, which suggests that this missense change does not adversely affect protein function. In summary, the available evidence is currently insufficient to determine the role of this variant in disease. Therefore, it has been classified as a Variant of Uncertain Significance.